The following is an entry in ClinVar:

ClinVar aggregate classification (germline): Uncertain significance (1 of 4 stars; one submission).

Submission:

Women's Health and Genetics/Laboratory Corporation of America, LabCorp
Classification: Uncertain significance. Last evaluated: 2026-06-03. Review status: criteria provided, single submitter. Criteria: LabCorp Variant Classification Summary - May 2015. Collection method: clinical testing. Allele origin: germline.
Comment: Variant summary: TCAP c.287_288delCT (p.Pro96ArgfsX11) results in a premature termination codon in the last exon, predicted to cause a truncation of the encoded protein, however, nonsense mediated decay is not expected to occur. The variant was absent in 246828 control chromosomes. The available data on variant occurrences in the general population are insufficient to allow any conclusion about variant significance. To our knowledge, no occurrence of c.287_288delCT in individuals affected with TCAP-related conditions and no experimental evidence demonstrating its impact on protein function have been reported. No submitters have cited clinical-significance assessments for this variant to ClinVar. Based on the evidence outlined above, the variant was classified as uncertain significance.

NM_003673.4(TCAP):c.287_288del (p.Pro96fs)

Gene: TCAP (titin-cap; plus strand). Cytogenetic location: 17q12.
Variant type: Deletion.
Coding change: c.287_288del on transcript NM_003673.4 (MANE Select); coding-DNA positions 287 to 288, 2 bases deleted (CT; older notation c.287_288delCT).
Protein change: p.Pro96fs; shifts the reading frame from proline 96.
Molecular consequence: frameshift variant.
Genome position (GRCh38, 1-based): chr17:39,665,892-39,665,893, CT deleted. VCF-style (leftmost placement, unchanged base first): chr17-39665891-CCT-C. GRCh37 (hg19) VCF-style: chr17-37822144-CCT-C.
Other names: c.287_288delCT (NM_003673.4); short protein forms P96fs.
Identifiers: ClinVar variation 4887555 (VCV004887555.1).